The following is an entry in ClinVar:

NM_022370.4(ROBO3):c.300C>T (p.Asn100=)

Gene: ROBO3 (roundabout guidance receptor 3; plus strand). Cytogenetic location: 11q24.2.
Variant type: single nucleotide variant.
Coding change: c.300C>T on transcript NM_022370.4 (MANE Select); coding-DNA position 300, C replaced by T.
Protein change: p.Asn100=; no amino-acid change (asparagine 100 retained).
Molecular consequence: synonymous variant.
Genome position (GRCh38, 1-based): chr11:124,868,941, C>T. VCF-style: chr11-124868941-C-T. GRCh37 (hg19) VCF-style: chr11-124738837-C-T.
Identifiers: ClinVar variation 3346331 (VCV003346331.1).
Genomic context (GRCh38, chr11:124,868,941, plus strand): 5'-CGCCACGTTGCCCTGCCGCGCTGAAGGCCGACCCCGACCCAACATTGAGTGGTACAAGAA[C>T]GGGGCGCGTGTGGCCACTGTGCGGGAGGATCCGCGTGCGCACCGCCTGCTGCTGCCCAGC-3'
Protein context (NP_071765.2, residues 90-110): RPRPNIEWYK[Asn100=]GARVATVRED

ClinVar aggregate classification (germline): Likely benign (0 of 4 stars; one submission).

Conditions:
ROBO3-related disorder. Also called: ROBO3-related condition.

gnomAD v4.1: 5 of 1,606,564 alleles (0.00031%); highest among the groups gnomAD compares: South Asian, 0.0033%; no homozygotes.

Submission:

PreventionGenetics, part of Exact Sciences
Classification: Likely benign for ROBO3-related condition. Last evaluated: 2024-09-03. Review status: no assertion criteria provided. Collection method: clinical testing. Allele origin: germline.
Comment: This variant is classified as likely benign based on ACMG/AMP sequence variant interpretation guidelines (Richards et al. 2015 PMID: 25741868, with internal and published modifications).